The following is an entry in ClinVar:

ClinVar aggregate classification (germline): Likely pathogenic (1 of 4 stars; one submission).

Conditions:
Charlevoix-Saguenay spastic ataxia (SACS). Also called: Spastic ataxia of Charlevoix-Saguenay; AUTOSOMAL RECESSIVE SPASTIC ATAXIA OF CHARLEVOIX-SAGUENAY; SPASTIC ATAXIA 6, AUTOSOMAL RECESSIVE. Identifiers: Orphanet 98, MedGen C1849140, MONDO:0010041, OMIM 270550.

Submission:

Neuberg Centre For Genomic Medicine, NCGM
Classification: Likely pathogenic for Charlevoix-Saguenay spastic ataxia. Review status: criteria provided, single submitter. Criteria: ACMG Guidelines, 2015. Collection method: clinical testing. Allele origin: germline. Inheritance: Autosomal recessive inheritance. Affected: yes.
Comment: The frameshift deletion p.Y2922Cfs*2 in SACS (NM_014363.6) has not been reported previously as a pathogenic variant nor as a benign variant, to our knowledge. The p.Y2922Cfs*2 variant is novel (not in any individuals) in gnomAD Exomes and is novel (not in any individuals) in 1000 Genomes. This variant is predicted to cause loss of normal protein function through protein truncation. The frame shifted sequence continues 2 residues until a stop codon is reached. For these reasons, this variant has been classified as Likely Pathogenic.

NM_014363.6(SACS):c.8765_8766del (p.Tyr2922fs)

Gene: SACS (sacsin molecular chaperone; minus strand). Cytogenetic location: 13q12.12.
Variant type: Microsatellite.
Coding change: c.8765_8766del on transcript NM_014363.6 (MANE Select); coding-DNA positions 8765 to 8766, 2 bases deleted (AT; older notation c.8765_8766delAT).
Protein change: p.Tyr2922fs; shifts the reading frame from tyrosine 2922.
Molecular consequence: frameshift variant.
Genome position (GRCh38, 1-based): chr13:23,335,110-23,335,111, AT deleted on the plus strand (AT on the coding strand, the reverse complement: SACS is on the minus strand); deleting any 2 consecutive bases within chr13:23,335,110-23,335,113 gives the same sequence; the c. name uses the placement nearest the transcript's 3' end. VCF-style (leftmost placement, unchanged base first): chr13-23335109-CAT-C. GRCh37 (hg19) VCF-style: chr13-23909248-CAT-C.
Other names: c.8324_8325del, p.Tyr2775fs (NM_001278055.2); short protein forms Y2775fs, Y2922fs.
Identifiers: ClinVar variation 2627400 (VCV002627400.1), dbSNP rs2542212566, ClinGen allele CA2582341808.